The following is an entry in ClinVar:

ClinVar aggregate classification (germline): Uncertain significance (1 of 4 stars; one submission).

Conditions:
Bardet-Biedl syndrome (BBS). Identifiers: Orphanet 110, MedGen C0752166, MONDO:0015229.
McKusick-Kaufman syndrome (MKKS). Also called: HYDROMETROCOLPOS SYNDROME; HYDROMETROCOLPOS, POSTAXIAL POLYDACTYLY, AND CONGENITAL HEART MALFORMATION. Identifiers: Orphanet 2473, MedGen C0948368, MONDO:0009367, OMIM 236700.

gnomAD v4.1: 5 of 1,614,178 alleles (0.00031%); highest among the groups gnomAD compares: East Asian, 0.0022%; no homozygotes.

Submission:

Labcorp Genetics (formerly Invitae), Labcorp
Classification: Uncertain significance for McKusick-Kaufman syndrome; Bardet-Biedl syndrome. Last evaluated: 2022-03-14. Review status: criteria provided, single submitter. Criteria: Invitae Variant Classification Sherloc (09022015). Collection method: clinical testing. Allele origin: germline.
Comment: This sequence change replaces histidine, which is basic and polar, with arginine, which is basic and polar, at codon 528 of the MKKS protein (p.His528Arg). This variant is present in population databases (no rsID available, gnomAD 0.0009%). This variant has not been reported in the literature in individuals affected with MKKS-related conditions. Algorithms developed to predict the effect of missense changes on protein structure and function output the following: SIFT: "Tolerated"; PolyPhen-2: "Benign"; Align-GVGD: "Class C0". The arginine amino acid residue is found in multiple mammalian species, which suggests that this missense change does not adversely affect protein function. In summary, the available evidence is currently insufficient to determine the role of this variant in disease. Therefore, it has been classified as a Variant of Uncertain Significance.

NM_170784.3(MKKS):c.1583A>G (p.His528Arg)

Gene: MKKS (MKKS centrosomal shuttling protein; minus strand). Cytogenetic location: 20p12.2.
Variant type: single nucleotide variant.
Coding change: c.1583A>G on transcript NM_170784.3 (MANE Select); coding-DNA position 1583, A replaced by G.
Protein change: p.His528Arg; replaces histidine 528 with arginine.
Molecular consequence: missense variant. On other transcripts: non-coding transcript variant (1).
Genome position (GRCh38, 1-based): chr20:10,405,377, T>C on the plus strand (A>G on the coding strand, the complement: MKKS is on the minus strand). VCF-style: chr20-10405377-T-C. GRCh37 (hg19) VCF-style: chr20-10386025-T-C.
Other names: c.1583A>G, p.His528Arg (NM_018848.3); short protein forms H528R.
Identifiers: ClinVar variation 2111328 (VCV002111328.1), dbSNP rs1288210757, ClinGen allele CA408230577.
Genomic context (GRCh38, chr20:10,405,377, plus strand): 5'-CCACTAAGCTTTGCAGTCAAACAGTCCAAGGTCAGGTTGCTGGCTGAGCCCACAGCTTCA[T>C]GTGGAAGGCAGCTTTGTGGCACAAATGGACGACGTGTGCTTCTTAAGAAAGACCAGTTGA-3'
Protein context (NP_740754.1, residues 518-538): RPFVPQSCLP[His528Arg]EAVGSASNLT